The following is an entry in ClinVar:

ClinVar aggregate classification (germline): Uncertain significance. Review status: criteria provided, multiple submitters, no conflicts (2 of 4 stars). 2 submissions from 2 submitters: Uncertain significance (2). Last evaluated 2026-01-18.

Conditions:
Cardiovascular phenotype. Identifiers: MedGen CN230736.

Allele frequency attached by ClinVar (database versions not stated): ExAC 0.00002; TOPMed 0.00006 and 0.00008; ESP Exome Variant Server 0.00008; gnomAD exomes 0.00002; gnomAD 0.00004.

Submissions (2):

Labcorp Genetics (formerly Invitae), Labcorp
Classification: Uncertain significance. Last evaluated: 2026-01-18. Review status: criteria provided, single submitter. Criteria: Invitae Variant Classification Sherloc (09022015). Collection method: clinical testing. Allele origin: germline.
Comment: This sequence change is expected to alter the c-terminus of the MFAP5 protein (p.Arg149Glyfs*28). While this is not anticipated to result in nonsense mediated decay, it is expected to disrupt the last 25 amino acid(s) of the MFAP5 protein and extend the protein by 2 additional amino acid residues. This variant is present in population databases (rs756582294, gnomAD 0.04%). This frameshift has been observed in individual(s) with aortic dissection (internal data). ClinVar contains an entry for this variant (Variation ID: 3294499). Experimental studies and prediction algorithms are not available or were not evaluated, and the functional significance of this variant is currently unknown. In summary, the available evidence is currently insufficient to determine the role of this variant in disease. Therefore, it has been classified as a Variant of Uncertain Significance.

Ambry Genetics
Classification: Uncertain significance for Cardiovascular phenotype. Last evaluated: 2024-06-20. Review status: criteria provided, single submitter. Criteria: Ambry Variant Classification Scheme 2023. Collection method: clinical testing. Allele origin: germline.
Comment: The c.444delT variant, located in coding exon 9 of the MFAP5 gene, results from a deletion of one nucleotide at nucleotide position 444, causing a translational frameshift with a predicted alternate stop codon (p.R149Gfs*28). This alteration is expected to result in protein truncation. However, loss of function of MFAP5 has not been established as a mechanism of disease. The evidence for this gene-disease relationship is limited; therefore, the clinical significance of this alteration is unclear.

NM_003480.4(MFAP5):c.444del (p.Arg149fs)

Genes: MFAP5 (microfibril associated protein 5; minus strand), LOC126861443 (BRD4-independent group 4 enhancer GRCh37_chr12:8800473-8801672; plus strand). Cytogenetic location: 12p13.31.
Variant type: Deletion.
Coding change: c.444del on transcript NM_003480.4 (MANE Select); coding-DNA position 444, one base deleted (T; older notation c.444delT).
Protein change: p.Arg149fs; shifts the reading frame from arginine 149.
Molecular consequence: frameshift variant. On other transcripts: non-coding transcript variant (2).
Genome position (GRCh38, 1-based): chr12:8,648,169, A deleted on the plus strand (T on the coding strand, the reverse complement: MFAP5 is on the minus strand). VCF-style (leftmost placement, unchanged base first): chr12-8648168-TA-T. GRCh37 (hg19) VCF-style: chr12-8800764-TA-T.
Other names: c.444delT (NM_003480.2); c.414del, p.Arg139fs (NM_001297709.2); c.378del, p.Arg127fs (NM_001297710.2); c.369del, p.Arg124fs (NM_001297711.2); c.252del, p.Arg85fs (NM_001297712.2); short protein forms R124fs, R127fs, R139fs, R149fs, R85fs.
Identifiers: ClinVar variation 3294499 (VCV003294499.3), dbSNP rs756582294.